The following is an entry in ClinVar:

NM_000135.4(FANCA):c.825T>A (p.Ile275=)

Gene: FANCA (FA complementation group A; minus strand). Cytogenetic location: 16q24.3.
Variant type: single nucleotide variant.
Coding change: c.825T>A on transcript NM_000135.4 (MANE Select); coding-DNA position 825, T replaced by A.
Protein change: p.Ile275=; no amino-acid change (isoleucine 275 retained).
Molecular consequence: synonymous variant.
Genome position (GRCh38, 1-based): chr16:89,799,606, A>T on the plus strand (T>A on the coding strand, the complement: FANCA is on the minus strand). VCF-style: chr16-89799606-A-T. GRCh37 (hg19) VCF-style: chr16-89866014-A-T.
Other names: c.825T>A, p.Ile275= (NM_001018112.3, NM_001286167.3); c.729T>A, p.Ile243= (NM_001351830.2).
Identifiers: ClinVar variation 2755481 (VCV002755481.3), dbSNP rs2544305484, ClinGen allele CA497194938.

ClinVar aggregate classification (germline): Uncertain significance (1 of 4 stars; one submission).

Conditions:
Fanconi anemia (FA). Also called: Fanconi's anemia. Identifiers: Orphanet 84, MedGen C0015625, MeSH D005199, MONDO:0019391.

Submission:

Labcorp Genetics (formerly Invitae), Labcorp
Classification: Uncertain significance for Fanconi anemia. Last evaluated: 2023-08-28. Review status: criteria provided, single submitter. Criteria: Invitae Variant Classification Sherloc (09022015). Collection method: clinical testing. Allele origin: germline.
Comment: This variant has not been reported in the literature in individuals affected with FANCA-related conditions. This sequence change affects codon 275 of the FANCA mRNA. It is a 'silent' change, meaning that it does not change the encoded amino acid sequence of the FANCA protein. It affects a nucleotide within the consensus splice site. This variant is not present in population databases (gnomAD no frequency). Algorithms developed to predict the effect of sequence changes on RNA splicing suggest that this variant may create or strengthen a splice site. In summary, the available evidence is currently insufficient to determine the role of this variant in disease. Therefore, it has been classified as a Variant of Uncertain Significance.